The following is an entry in ClinVar:

ClinVar aggregate classification (germline): Conflicting classifications of pathogenicity. Review status: criteria provided, conflicting classifications (1 of 4 stars). 4 submissions from 4 submitters: Uncertain significance (3); Likely benign (1). Last evaluated 2024-11-05.

Conditions:
Sitosterolemia 2. Identifiers: MedGen C5231453, MONDO:0020748, OMIM 618666.
Cardiovascular phenotype. Identifiers: MedGen CN230736.
Sitosterolemia (STSL). Also called: PHYTOSTEROLEMIA. Identifiers: Orphanet 2882, MedGen C0342907, MONDO:0008863.

Allele frequency attached by ClinVar (database versions not stated): TOPMed 0.00003; ExAC 0.00004; gnomAD 0.00002; ESP Exome Variant Server 0.00023.
gnomAD v4.1: 17 of 1,613,984 alleles (0.0011%); highest among the groups gnomAD compares: African/African-American, 0.0053%; no homozygotes.

Submissions (4):

Ambry Genetics
Classification: Likely benign for Cardiovascular phenotype. Last evaluated: 2024-11-05. Review status: criteria provided, single submitter. Criteria: Ambry Variant Classification Scheme 2023. Collection method: clinical testing. Allele origin: germline.

Revvity Omics, Revvity
Classification: Uncertain significance for Sitosterolemia 2. Last evaluated: 2024-09-18. Review status: criteria provided, single submitter. Criteria: ACMG Guidelines, 2015. Collection method: clinical testing. Allele origin: germline.

Labcorp Genetics (formerly Invitae), Labcorp
Classification: Uncertain significance for Sitosterolemia. Last evaluated: 2024-04-02. Review status: criteria provided, single submitter. Criteria: Invitae Variant Classification Sherloc (09022015). Collection method: clinical testing. Allele origin: germline.
Comment: This sequence change replaces valine, which is neutral and non-polar, with isoleucine, which is neutral and non-polar, at codon 233 of the ABCG5 protein (p.Val233Ile). This variant is present in population databases (rs377497967, gnomAD 0.01%). This variant has not been reported in the literature in individuals affected with ABCG5-related conditions. ClinVar contains an entry for this variant (Variation ID: 2079540). Algorithms developed to predict the effect of missense changes on protein structure and function output the following: SIFT: "Not Available"; PolyPhen-2: "Benign"; Align-GVGD: "Not Available". The isoleucine amino acid residue is found in multiple mammalian species, which suggests that this missense change does not adversely affect protein function. In summary, the available evidence is currently insufficient to determine the role of this variant in disease. Therefore, it has been classified as a Variant of Uncertain Significance.

Mayo Clinic Laboratories, Mayo Clinic
Classification: Uncertain significance. Last evaluated: 2022-05-03. Review status: criteria provided, single submitter. Criteria: ACMG Guidelines, 2015. Collection method: clinical testing. Allele origin: germline. Observed: 1 variant allele.
Comment: BP4

NM_022436.3(ABCG5):c.697G>A (p.Val233Ile)

Genes: ABCG5 (ATP binding cassette subfamily G member 5; minus strand), DYNC2LI1 (dynein cytoplasmic 2 light intermediate chain 1; plus strand). Cytogenetic location: 2p21.
Variant type: single nucleotide variant.
Coding change: c.697G>A on transcript NM_022436.3 (MANE Select); coding-DNA position 697, G replaced by A.
Protein change: p.Val233Ile; replaces valine 233 with isoleucine.
Molecular consequence: missense variant. On other transcripts: intron variant (2).
Genome position (GRCh38, 1-based): chr2:43,826,459, C>T on the plus strand (G>A on the coding strand, the complement: ABCG5 is on the minus strand). VCF-style: chr2-43826459-C-T. GRCh37 (hg19) VCF-style: chr2-44053598-C-T.
Other names: p.Val233Ile; c.697G>A (NM_022436.2); c.*16-927C>T (NM_001348913.2, NM_001348912.2); short protein forms V233I.
Identifiers: ClinVar variation 2079540 (VCV002079540.6), dbSNP rs377497967, ClinGen allele CA1636556.
Genomic context (GRCh38, chr2:43,826,459, plus strand): 5'-GGGGCTGGTGAATGGTGAGAACCACAATTCGGTTCCTGCGAGCCAGTTCCACCAGGAGGA[C>T]GACAATCTGATTAGCAGTCATGCAGTCCAGGCCTGTGGTTGGCTCATCAAACAGCATGAC-3'
Protein context (NP_071881.1, residues 223-243): LDCMTANQIV[Val233Ile]LLVELARRNR